The following is an entry in ClinVar:

NM_198098.4(AQP1):c.758A>G (p.Tyr253Cys)

Gene: AQP1 (aquaporin 1 (Colton blood group); plus strand). Cytogenetic location: 7p14.3.
Variant type: single nucleotide variant.
Coding change: c.758A>G on transcript NM_198098.4 (MANE Select); coding-DNA position 758, A replaced by G.
Protein change: p.Tyr253Cys; replaces tyrosine 253 with cysteine.
Molecular consequence: missense variant.
Genome position (GRCh38, 1-based): chr7:30,923,577, A>G. VCF-style: chr7-30923577-A-G. GRCh37 (hg19) VCF-style: chr7-30963192-A-G.
Other names: c.758A>G, p.Tyr253Cys (NM_001329872.2); short protein forms Y253C.
Identifiers: ClinVar variation 3665791 (VCV003665791.2).

ClinVar aggregate classification (germline): Uncertain significance (1 of 4 stars; one submission).

gnomAD v4.1: 45 of 1,598,300 alleles (0.0028%); highest among the groups gnomAD compares: Middle Eastern, 0.033%; no homozygotes.

Submission:

Labcorp Genetics (formerly Invitae), Labcorp
Classification: Uncertain significance. Last evaluated: 2024-03-15. Review status: criteria provided, single submitter. Criteria: Invitae Variant Classification Sherloc (09022015). Collection method: clinical testing. Allele origin: germline.
Comment: This sequence change replaces tyrosine, which is neutral and polar, with cysteine, which is neutral and slightly polar, at codon 253 of the AQP1 protein (p.Tyr253Cys). This variant is present in population databases (rs144238098, gnomAD 0.007%). This variant has not been reported in the literature in individuals affected with AQP1-related conditions. An algorithm developed to predict the effect of missense changes on protein structure and function (PolyPhen-2) suggests that this variant is likely to be tolerated. In summary, the available evidence is currently insufficient to determine the role of this variant in disease. Therefore, it has been classified as a Variant of Uncertain Significance.